The following is an entry in ClinVar:

ClinVar aggregate classification (germline): Likely benign. Review status: criteria provided, multiple submitters, no conflicts (2 of 4 stars). 4 submissions from 4 submitters: Likely benign (4). Last evaluated 2026-01-06.

Conditions:
GRM6-related disorder. Also called: GRM6-related condition.
Inborn genetic diseases. Identifiers: MedGen C0950123, MeSH D030342.

Allele frequency attached by ClinVar (database versions not stated): ESP Exome Variant Server 0.00015; gnomAD exomes 0.00015 and 0.00026; gnomAD 0.00018 and 0.00019; TOPMed 0.00018; ExAC 0.00020; 1000 Genomes Project 30x 0.00031.
gnomAD v4.1: 272 of 1,613,308 alleles (0.017%); highest among the groups gnomAD compares: Middle Eastern, 0.76%; 3 homozygotes.

Submissions (4):

Labcorp Genetics (formerly Invitae), Labcorp
Classification: Likely benign. Last evaluated: 2026-01-06. Review status: criteria provided, single submitter. Criteria: Invitae Variant Classification Sherloc (09022015). Collection method: clinical testing. Allele origin: germline.

PreventionGenetics, part of Exact Sciences
Classification: Likely benign for GRM6-related condition. Last evaluated: 2025-12-28. Review status: criteria provided, single submitter. Criteria: ACMG Guidelines, 2015. Collection method: clinical testing. Allele origin: germline.
Comment: This variant is classified as likely benign based on ACMG/AMP sequence variant interpretation guidelines (Richards et al. 2015 PMID: 25741868, with internal and published modifications).

Blueprint Genetics
Classification: Likely benign. Last evaluated: 2024-10-25. Review status: criteria provided, single submitter. Criteria: ACMG Guidelines, 2015. Collection method: clinical testing. Allele origin: germline.

Ambry Genetics
Classification: Likely benign for Inborn genetic diseases. Last evaluated: 2021-09-27. Review status: criteria provided, single submitter. Criteria: Ambry Variant Classification Scheme 2023. Collection method: clinical testing. Allele origin: germline.

NM_000843.4(GRM6):c.2624C>A (p.Ala875Asp)

Genes: GRM6 (glutamate metabotropic receptor 6; minus strand), ZNF454 (zinc finger protein 454; plus strand). Cytogenetic location: 5q35.3.
Variant type: single nucleotide variant.
Coding change: c.2624C>A on transcript NM_000843.4 (MANE Select); coding-DNA position 2624, C replaced by A.
Protein change: p.Ala875Asp; replaces alanine 875 with aspartic acid.
Molecular consequence: missense variant.
Genome position (GRCh38, 1-based): chr5:178,981,667, G>T on the plus strand (C>A on the coding strand, the complement: GRM6 is on the minus strand). VCF-style: chr5-178981667-G-T. GRCh37 (hg19) VCF-style: chr5-178408668-G-T.
Other names: short protein forms A875D.
Identifiers: ClinVar variation 866961 (VCV000866961.13), dbSNP rs200210006, ClinGen allele CA3593490.